The following is an entry in ClinVar:

ClinVar aggregate classification (germline): Benign/Likely benign. Review status: criteria provided, multiple submitters, no conflicts (2 of 4 stars). 12 submissions from 12 submitters: Benign (3); Likely benign (6). 3 of the submissions do not count toward it. Last evaluated 2026-09-01.

Conditions:
RELN-related disorder. Also called: RELN-related condition.
Norman-Roberts syndrome (LIS2). Also called: Lissencephaly 2 (Norman-Roberts type). Identifiers: Orphanet 89844, MedGen C0796089, MONDO:0009760, OMIM 257320.
Familial temporal lobe epilepsy 7. Identifiers: Orphanet 101046, MedGen C4225327, MONDO:0014639, OMIM 616436.
Epilepsy, familial temporal lobe, 1. Identifiers: Orphanet 101046, MedGen CN030884, MONDO:0700090, OMIM 600512.

Allele frequency attached by ClinVar (database versions not stated): 1000 Genomes Project 30x 0.00109; TOPMed 0.00120; gnomAD 0.00123 and 0.00129; 1000 Genomes Project 0.00140; gnomAD exomes 0.00158 and 0.00166; ESP Exome Variant Server 0.00177; ExAC 0.00179.
gnomAD v4.1: 2,519 of 1,613,858 alleles (0.16%); highest among the groups gnomAD compares: Middle Eastern, 0.59%; 5 homozygotes.

Submissions (12):

CeGaT Center for Human Genetics Tuebingen
Classification: Likely benign. Last evaluated: 2026-09-01. Review status: criteria provided, single submitter. Criteria: CeGaT Center For Human Genetics Tuebingen Variant Classification Criteria Version 2. Collection method: clinical testing. Allele origin: germline. Affected: yes. Observed: 32 variant alleles.
Comment: RELN: BP4, BP7

Labcorp Genetics (formerly Invitae), Labcorp
Classification: Benign for Familial temporal lobe epilepsy 7; Norman-Roberts syndrome. Last evaluated: 2026-02-02. Review status: criteria provided, single submitter. Criteria: Invitae Variant Classification Sherloc (09022015). Collection method: clinical testing. Allele origin: germline.

Athena Diagnostics
Classification: Benign. Last evaluated: 2025-10-01. Review status: criteria provided, single submitter. Criteria: Athena Diagnostics Criteria. Collection method: clinical testing. Allele origin: unknown.
Comment: The frequency of this variant in the general population is higher than would generally be expected for pathogenic variants in this gene. Computational tools yielded predictions that this variant is unlikely to have an effect on normal RNA splicing.

Blueprint Genetics
Classification: Likely benign. Last evaluated: 2024-11-05. Review status: criteria provided, single submitter. Criteria: ACMG Guidelines, 2015. Collection method: clinical testing. Allele origin: germline.

Fulgent Genetics
Classification: Likely benign for Norman-Roberts syndrome; Epilepsy, familial temporal lobe, 1; Familial temporal lobe epilepsy 7. Last evaluated: 2022-02-14. Review status: criteria provided, single submitter. Criteria: ACMG Guidelines, 2015. Collection method: clinical testing. Allele origin: unknown.

Illumina Laboratory Services, Illumina
Classification: Likely benign for Norman-Roberts syndrome. Last evaluated: 2018-01-13. Review status: criteria provided, single submitter. Criteria: ICSL Variant Classification Criteria 13 December 2019. Collection method: clinical testing. Allele origin: germline.
Comment: This variant was observed in the ICSL laboratory as part of a predisposition screen in an ostensibly healthy population. It had not been previously curated by ICSL or reported in the Human Gene Mutation Database (HGMD: prior to June 1st, 2018), and was therefore a candidate for classification through an automated scoring system. Utilizing variant allele frequency, disease prevalence and penetrance estimates, and inheritance mode, an automated score was calculated to assess if this variant is too frequent to cause the disease. Based on the score and internal cut-off values, a variant classified as likely benign is not then subjected to further curation. The score for this variant resulted in a classification of likely benign for this disease.

Eurofins Ntd Llc (ga)
Classification: Likely benign. Last evaluated: 2017-03-01. Review status: criteria provided, single submitter. Criteria: EGL Classification Definitions 2015. Collection method: clinical testing. Allele origin: germline. Observed: 3 variant alleles, 3 heterozygotes.

GeneDx
Classification: Benign. Last evaluated: 2015-03-11. Review status: criteria provided, single submitter. Criteria: GeneDx Variant Classification (06012015). Collection method: clinical testing. Allele origin: germline. Affected: yes.
Comment: This variant is considered likely benign or benign based on one or more of the following criteria: it is a conservative change, it occurs at a poorly conserved position in the protein, it is predicted to be benign by multiple in silico algorithms, and/or has population frequency not consistent with disease.

Breakthrough Genomics
Classification: Likely benign. Review status: criteria provided, single submitter. Criteria: ACMG Guidelines, 2015. Collection method: not provided. Allele origin: germline. Inheritance: Autosomal recessive inheritance. Affected: yes.

PreventionGenetics, part of Exact Sciences
Classification: Likely benign for RELN-related condition. Last evaluated: 2019-03-28. Review status: no assertion criteria provided. Collection method: clinical testing. Allele origin: germline. Not counted in ClinVar's aggregate classification.
Comment: This variant is classified as likely benign based on ACMG/AMP sequence variant interpretation guidelines (Richards et al. 2015 PMID: 25741868, with internal and published modifications).

Clinical Genetics DNA and cytogenetics Diagnostics Lab, Erasmus MC, Erasmus Medical Center
Classification: Likely benign. Review status: no assertion criteria provided. Collection method: clinical testing. Allele origin: germline. Affected: yes. Study: VKGL Data-share Consensus. Not counted in ClinVar's aggregate classification.

Genome Diagnostics Laboratory, University Medical Center Utrecht
Classification: Likely benign. Review status: no assertion criteria provided. Collection method: clinical testing. Allele origin: germline. Affected: yes. Study: VKGL Data-share Consensus. Not counted in ClinVar's aggregate classification.

NM_005045.4(RELN):c.3123C>T (p.Gly1041=)

Gene: RELN (reelin; minus strand). Cytogenetic location: 7q22.1.
Variant type: single nucleotide variant.
Coding change: c.3123C>T on transcript NM_005045.4 (MANE Select); coding-DNA position 3123, C replaced by T.
Protein change: p.Gly1041=; no amino-acid change (glycine 1041 retained).
Molecular consequence: synonymous variant.
Genome position (GRCh38, 1-based): chr7:103,604,369, G>A on the plus strand (C>T on the coding strand, the complement: RELN is on the minus strand). VCF-style: chr7-103604369-G-A. GRCh37 (hg19) VCF-style: chr7-103244816-G-A.
Other names: c.3123C>T, p.Gly1041= (NM_173054.3).
Identifiers: ClinVar variation 195757 (VCV000195757.48), dbSNP rs41276148, ClinGen allele CA242337.